The following is an entry in ClinVar:

ClinVar aggregate classification (germline): Conflicting classifications of pathogenicity. Review status: criteria provided, conflicting classifications (1 of 4 stars). 3 submissions from 3 submitters: Uncertain significance (2); Likely benign (1). Last evaluated 2025-10-19.

Conditions:
Autosomal dominant childhood-onset proximal spinal muscular atrophy without contractures. Also called: KUGELBERG-WELANDER SYNDROME, AUTOSOMAL DOMINANT; SPINAL MUSCULAR ATROPHY, JUVENILE, PROXIMAL, AUTOSOMAL DOMINANT; Spinal muscular atrophy, lower extremity-predominant 1, AD; SPINAL MUSCULAR ATROPHY, CHILDHOOD, PROXIMAL, AUTOSOMAL DOMINANT. Identifiers: Orphanet 209341, Orphanet 363447, MedGen C5780022, MONDO:0008026, OMIM 158600.
Charcot-Marie-Tooth disease axonal type 2O. Also called: Charcot-Marie-Tooth disease, axonal, type 20; CHARCOT-MARIE-TOOTH NEUROPATHY, AXONAL, TYPE 2O; CHARCOT-MARIE-TOOTH DISEASE, AXONAL, AUTOSOMAL DOMINANT, TYPE 2O; Charcot-Marie-Tooth Neuropathy Type 2O. Identifiers: Orphanet 284232, MedGen C3280220, MONDO:0013644, OMIM 614228.
Cortical dysplasia, complex, with other brain malformations 13. Also called: Intellectual disability, autosomal dominant 13. Identifiers: MedGen C3281202, MONDO:0013805, OMIM 614563.
Inborn genetic diseases. Identifiers: MedGen C0950123, MeSH D030342.

Allele frequency attached by ClinVar (database versions not stated): gnomAD exomes 0.00002; TOPMed 0.00002; ExAC 0.00002.
gnomAD v4.1: 7 of 1,614,192 alleles (0.00043%); highest among the groups gnomAD compares: Admixed American, 0.0067%; no homozygotes.

Submissions (3):

Labcorp Genetics (formerly Invitae), Labcorp
Classification: Likely benign for Charcot-Marie-Tooth disease axonal type 2O. Last evaluated: 2025-10-19. Review status: criteria provided, single submitter. Criteria: Invitae Variant Classification Sherloc (09022015). Collection method: clinical testing. Allele origin: germline.

Fulgent Genetics
Classification: Uncertain significance for Autosomal dominant childhood-onset proximal spinal muscular atrophy without contractures; Charcot-Marie-Tooth disease axonal type 2O; Cortical dysplasia, complex, with other brain malformations 13. Last evaluated: 2022-05-19. Review status: criteria provided, single submitter. Criteria: ACMG Guidelines, 2015. Collection method: clinical testing. Allele origin: unknown.

Ambry Genetics
Classification: Uncertain significance for Inborn genetic diseases. Last evaluated: 2018-12-06. Review status: criteria provided, single submitter. Criteria: Ambry Variant Classification Scheme 2023. Collection method: clinical testing. Allele origin: germline.
Comment: The p.L1533V variant (also known as c.4597C>G), located in coding exon 22 of the DYNC1H1 gene, results from a C to G substitution at nucleotide position 4597. The leucine at codon 1533 is replaced by valine, an amino acid with highly similar properties. This amino acid position is highly conserved in available vertebrate species. In addition, the in silico prediction for this alteration is inconclusive. Since supporting evidence is limited at this time, the clinical significance of this alteration remains unclear.

NM_001376.5(DYNC1H1):c.4597C>G (p.Leu1533Val)

Gene: DYNC1H1 (dynein cytoplasmic 1 heavy chain 1; plus strand). Cytogenetic location: 14q32.31.
Variant type: single nucleotide variant.
Coding change: c.4597C>G on transcript NM_001376.5 (MANE Select); coding-DNA position 4597, C replaced by G.
Protein change: p.Leu1533Val; replaces leucine 1533 with valine.
Molecular consequence: missense variant.
Genome position (GRCh38, 1-based): chr14:102,002,591, C>G. VCF-style: chr14-102002591-C-G. GRCh37 (hg19) VCF-style: chr14-102468928-C-G.
Other names: short protein forms L1533V.
Identifiers: ClinVar variation 1480475 (VCV001480475.11), dbSNP rs775825001, ClinGen allele CA7352271.